The following is an entry in ClinVar:

NM_024753.5(TTC21B):c.1851A>G (p.Leu617=)

Gene: TTC21B (tetratricopeptide repeat domain 21B; minus strand). Cytogenetic location: 2q24.3.
Variant type: single nucleotide variant.
Coding change: c.1851A>G on transcript NM_024753.5 (MANE Select); coding-DNA position 1851, A replaced by G.
Protein change: p.Leu617=; no amino-acid change (leucine 617 retained).
Molecular consequence: synonymous variant.
Genome position (GRCh38, 1-based): chr2:165,917,305, T>C on the plus strand (A>G on the coding strand, the complement: TTC21B is on the minus strand). VCF-style: chr2-165917305-T-C. GRCh37 (hg19) VCF-style: chr2-166773815-T-C.
Identifiers: ClinVar variation 747546 (VCV000747546.4), dbSNP rs1267179534, ClinGen allele CA429974760.

ClinVar aggregate classification (germline): Likely benign. Review status: criteria provided, multiple submitters, no conflicts (2 of 4 stars). 2 submissions from 2 submitters: Likely benign (2). Last evaluated 2026-05-22.

Conditions:
TTC21B-related disorder. Also called: TTC21B-related condition; TTC21B-related disorders.

Allele frequency attached by ClinVar (database versions not stated): gnomAD 0.00001; gnomAD exomes 0.00001; TOPMed 0.00002.
gnomAD v4.1: 4 of 1,614,104 alleles (0.00025%); highest among the groups gnomAD compares: African/African-American, 0.0027%; no homozygotes.

Submissions (2):

PreventionGenetics, part of Exact Sciences
Classification: Likely benign for TTC21B-related condition. Last evaluated: 2026-05-22. Review status: criteria provided, single submitter. Criteria: ACMG Guidelines, 2015. Collection method: clinical testing. Allele origin: germline.
Comment: This variant is classified as likely benign based on ACMG/AMP sequence variant interpretation guidelines (Richards et al. 2015 PMID: 25741868, with internal and published modifications).

Labcorp Genetics (formerly Invitae), Labcorp
Classification: Likely benign. Last evaluated: 2018-04-03. Review status: criteria provided, single submitter. Criteria: Invitae Variant Classification Sherloc (09022015). Collection method: clinical testing. Allele origin: germline.